The following is an entry in ClinVar:

ClinVar aggregate classification (germline): Uncertain significance (1 of 4 stars; one submission).

Conditions:
Hypertrophic cardiomyopathy. Also called: HYPERTROPHIC MYOCARDIOPATHY. Identifiers: Orphanet 217569, MedGen C0007194, MeSH D002312, MONDO:0005045, HP:0001639.

Submission:

Labcorp Genetics (formerly Invitae), Labcorp
Classification: Uncertain significance for Hypertrophic cardiomyopathy. Last evaluated: 2020-08-27. Review status: criteria provided, single submitter. Criteria: Invitae Variant Classification Sherloc (09022015). Collection method: clinical testing. Allele origin: germline.
Comment: This variant has not been reported in the literature in individuals with MYH7-related conditions. In summary, the available evidence is currently insufficient to determine the role of this variant in disease. Therefore, it has been classified as a Variant of Uncertain Significance. Experimental studies and prediction algorithms are not available or were not evaluated, and the functional significance of this variant is currently unknown. This variant is not present in population databases (ExAC no frequency). This variant, c.2896_2898del, results in the deletion of 1 amino acid(s) of the MYH7 protein (p.Lys966del), but otherwise preserves the integrity of the reading frame.

NM_000257.4(MYH7):c.2896_2898del (p.Lys966del)

Gene: MYH7 (myosin heavy chain 7; minus strand). Cytogenetic location: 14q11.2.
Variant type: Deletion.
Coding change: c.2896_2898del on transcript NM_000257.4 (MANE Select); coding-DNA positions 2896 to 2898, 3 bases deleted (AAG; older notation c.2896_2898delAAG).
Protein change: p.Lys966del; deletes lysine 966.
Molecular consequence: inframe deletion.
Genome position (GRCh38, 1-based): chr14:23,423,931-23,423,933, CTT deleted on the plus strand (AAG on the coding strand, the reverse complement: MYH7 is on the minus strand); deleting any 3 consecutive bases within chr14:23,423,931-23,423,935 gives the same sequence; the c. name uses the placement nearest the transcript's 3' end. VCF-style (leftmost placement, unchanged base first): chr14-23423930-CCTT-C. GRCh37 (hg19) VCF-style: chr14-23893139-CCTT-C.
Other names: short protein forms K966del.
Identifiers: ClinVar variation 1022918 (VCV001022918.8), dbSNP rs1892586321, ClinGen allele CA2123453923.
Genomic context (GRCh38, chr14:23,423,930, plus strand): 5'-TGAGACCCGGGCTGGAGCCAAAGGGAGCTGCCCTTACCTTGTTCTCTGTTGCGTGTTTCT[CCTT>C]CTCCACTTTGGCCAGTGTCAGCTCCAGATCATCGATGTCCCTTTTGAGCTCTGAGCACTC-3'